The following is an entry in ClinVar:

NM_000038.6(APC):c.8068G>C (p.Ala2690Pro)

Gene: APC (APC regulator of Wnt signaling pathway; plus strand). Cytogenetic location: 5q22.2.
Variant type: single nucleotide variant.
Coding change: c.8068G>C on transcript NM_000038.6 (MANE Select); coding-DNA position 8068, G replaced by C.
Protein change: p.Ala2690Pro; replaces alanine 2690 with proline.
Molecular consequence: missense variant.
Genome position (GRCh38, 1-based): chr5:112,843,662, G>C. VCF-style: chr5-112843662-G-C. GRCh37 (hg19) VCF-style: chr5-112179359-G-C.
Other names: c.8068G>C, p.Ala2690Pro (NM_001127510.3, NM_001354895.2); c.8014G>C, p.Ala2672Pro (NM_001127511.3); c.8122G>C, p.Ala2708Pro (NM_001354896.2); c.8098G>C, p.Ala2700Pro (NM_001354897.2); c.7993G>C, p.Ala2665Pro (NM_001354898.2); c.7984G>C, p.Ala2662Pro (NM_001354899.2); c.7945G>C, p.Ala2649Pro (NM_001354900.2); c.7891G>C, p.Ala2631Pro (NM_001354901.2); and 5 more; short protein forms A2407P, A2530P, A2589P, A2599P, A2700P, A2662P, A2665P, A2708P.
Identifiers: ClinVar variation 1391890 (VCV001391890.6), dbSNP rs140868933, ClinGen allele CA16038849.
Genomic context (GRCh38, chr5:112,843,662, plus strand): 5'-AGATCTGGAAGATCTCCCACAGGTAATACTCCCCCGGTGATTGACAGTGTTTCAGAAAAG[G>C]CAAATCCAAACATTAAAGATTCAAAAGATAATCAGGCAAAACAAAATGTGGGTAATGGCA-3'
Protein context (NP_000029.2, residues 2680-2700): PPVIDSVSEK[Ala2690Pro]NPNIKDSKDN

ClinVar aggregate classification (germline): Uncertain significance. Review status: criteria provided, multiple submitters, no conflicts (2 of 4 stars). 2 submissions from 2 submitters: Uncertain significance (2). Last evaluated 2025-12-02.

Conditions:
Hereditary cancer-predisposing syndrome. Also called: Neoplastic Syndromes, Hereditary; Hereditary neoplastic syndrome; Tumor predisposition; Hereditary Cancer Syndrome. Identifiers: Orphanet 140162, MedGen C0027672, MeSH D009386, MONDO:0015356.
Familial adenomatous polyposis 1 (FAP1). Also called: FAMILIAL ADENOMATOUS POLYPOSIS 1, ATTENUATED; POLYPOSIS, ADENOMATOUS INTESTINAL. Identifiers: MedGen C2713442, MONDO:0021056, OMIM 175100. Disease mechanism: loss of function.

Submissions (2):

Ambry Genetics
Classification: Uncertain significance for Hereditary cancer-predisposing syndrome. Last evaluated: 2025-12-02. Review status: criteria provided, single submitter. Criteria: Ambry Variant Classification Scheme 2023. Collection method: clinical testing. Allele origin: germline.
Comment: The p.A2690P variant (also known as c.8068G>C), located in coding exon 15 of the APC gene, results from a G to C substitution at nucleotide position 8068. The alanine at codon 2690 is replaced by proline, an amino acid with highly similar properties. This amino acid position is poorly conserved in available vertebrate species. In addition, in silico predictors for this gene do not accurately predict pathogenicity. Missense variants in APC are not a common cause of disease (Spier I et al. Genet Med. 2024 Feb;26(2):100992). Based on the available evidence, the clinical significance of this variant remains unclear.

Labcorp Genetics (formerly Invitae), Labcorp
Classification: Uncertain significance for Familial adenomatous polyposis 1. Last evaluated: 2021-09-09. Review status: criteria provided, single submitter. Criteria: Invitae Variant Classification Sherloc (09022015). Collection method: clinical testing. Allele origin: germline.
Comment: This sequence change replaces alanine with proline at codon 2690 of the APC protein (p.Ala2690Pro). The alanine residue is weakly conserved and there is a small physicochemical difference between alanine and proline. This variant is not present in population databases (ExAC no frequency). This variant has not been reported in the literature in individuals affected with APC-related conditions. Algorithms developed to predict the effect of missense changes on protein structure and function are either unavailable or do not agree on the potential impact of this missense change (SIFT: "Deleterious"; PolyPhen-2: "Benign"; Align-GVGD: "Class C0"). In summary, the available evidence is currently insufficient to determine the role of this variant in disease. Therefore, it has been classified as a Variant of Uncertain Significance.